The following is an entry in ClinVar:

ClinVar aggregate classification (germline): Uncertain significance. Review status: criteria provided, multiple submitters, no conflicts (2 of 4 stars). 3 submissions from 3 submitters: Uncertain significance (3). Last evaluated 2026-07-04.

Conditions:
Primary ciliary dyskinesia. Also called: Ciliary dyskinesia. Identifiers: Orphanet 244, MedGen C0008780, MONDO:0016575, HP:0012265.

Allele frequency attached by ClinVar (database versions not stated): gnomAD 0.00006; ExAC 0.00010.
gnomAD v4.1: 32 of 1,551,508 alleles (0.0021%); highest among the groups gnomAD compares: African/African-American, 0.015%; no homozygotes.

Submissions (3):

Ambry Genetics
Classification: Uncertain significance for Primary ciliary dyskinesia. Last evaluated: 2026-07-04. Review status: criteria provided, single submitter. Criteria: Ambry Variant Classification Scheme 2023. Collection method: clinical testing. Allele origin: germline.
Comment: The p.R63W variant (also known as c.187C>T), located in coding exon 2 of the CCDC114 gene, results from a C to T substitution at nucleotide position 187. The arginine at codon 63 is replaced by tryptophan, an amino acid with dissimilar properties. This amino acid position is conserved. In addition, this alteration is predicted to be tolerated by in silico analysis. Based on the available evidence, the clinical significance of this variant remains unclear.

Molecular Genetics McLendon Clinical Laboratories, University of North Carolina at Chapel Hill
Classification: Uncertain significance for Primary ciliary dyskinesia. Last evaluated: 2023-12-14. Review status: criteria provided, single submitter. Criteria: ACMG Guidelines, 2015. Collection method: clinical testing. Allele origin: germline.

Labcorp Genetics (formerly Invitae), Labcorp
Classification: Uncertain significance for Primary ciliary dyskinesia. Last evaluated: 2022-04-02. Review status: criteria provided, single submitter. Criteria: Invitae Variant Classification Sherloc (09022015). Collection method: clinical testing. Allele origin: germline.
Comment: In summary, the available evidence is currently insufficient to determine the role of this variant in disease. Therefore, it has been classified as a Variant of Uncertain Significance. Algorithms developed to predict the effect of missense changes on protein structure and function are either unavailable or do not agree on the potential impact of this missense change (SIFT: "Deleterious"; PolyPhen-2: "Probably Damaging"; Align-GVGD: "Class C0"). This variant has not been reported in the literature in individuals affected with CCDC114-related conditions. This variant is present in population databases (rs777461665, gnomAD 0.02%). This sequence change replaces arginine, which is basic and polar, with tryptophan, which is neutral and slightly polar, at codon 63 of the CCDC114 protein (p.Arg63Trp).

NM_001364171.2(ODAD1):c.298C>T (p.Arg100Trp)

Gene: ODAD1 (outer dynein arm docking complex subunit 1; minus strand). Cytogenetic location: 19q13.33.
Variant type: single nucleotide variant.
Coding change: c.298C>T on transcript NM_001364171.2 (MANE Select); coding-DNA position 298, C replaced by T.
Protein change: p.Arg100Trp; replaces arginine 100 with tryptophan.
Molecular consequence: missense variant.
Genome position (GRCh38, 1-based): chr19:48,318,449, G>A on the plus strand (C>T on the coding strand, the complement: ODAD1 is on the minus strand). VCF-style: chr19-48318449-G-A. GRCh37 (hg19) VCF-style: chr19-48821706-G-A.
Other names: c.187C>T, p.Arg63Trp (NM_144577.4); c.187C>T (NM_144577.3); short protein forms R100W, R63W.
Identifiers: ClinVar variation 2073695 (VCV002073695.5), dbSNP rs777461665, ClinGen allele CA9549067.